The following is an entry in ClinVar:

ClinVar aggregate classification (germline): Uncertain significance (1 of 4 stars; one submission).

Allele frequency attached by ClinVar (database versions not stated): gnomAD exomes below 0.00001; ExAC 0.00001.
gnomAD v4.1: 6 of 1,614,032 alleles (0.00037%); highest among the groups gnomAD compares: Non-Finnish European, 0.00042%; no homozygotes.

Submission:

GeneDx
Classification: Uncertain significance. Last evaluated: 2023-02-16. Review status: criteria provided, single submitter. Criteria: GeneDx Variant Classification Process June 2021. Collection method: clinical testing. Allele origin: germline. Affected: yes.
Comment: Not observed at significant frequency in large population cohorts (gnomAD); In silico analysis supports that this missense variant does not alter protein structure/function; Has not been previously published as pathogenic or benign to our knowledge

NM_005085.4(NUP214):c.3562G>A (p.Asp1188Asn)

Gene: NUP214 (nucleoporin 214; plus strand). Cytogenetic location: 9q34.13.
Variant type: single nucleotide variant.
Coding change: c.3562G>A on transcript NM_005085.4 (MANE Select); coding-DNA position 3562, G replaced by A.
Protein change: p.Asp1188Asn; replaces aspartic acid 1188 with asparagine.
Molecular consequence: missense variant.
Genome position (GRCh38, 1-based): chr9:131,189,119, G>A. VCF-style: chr9-131189119-G-A. GRCh37 (hg19) VCF-style: chr9-134064506-G-A.
Other names: c.3532G>A, p.Asp1178Asn (NM_001318324.2); c.3610G>A, p.Asp1204Asn (NM_153642.1); short protein forms D1178N, D1188N, D1204N.
Identifiers: ClinVar variation 1704831 (VCV001704831.2), dbSNP rs769897209, ClinGen allele CA5289697.